The following is an entry in ClinVar:

NM_031220.4(PITPNM3):c.226+1G>A

Gene: PITPNM3 (PITPNM family member 3; minus strand). Cytogenetic location: 17p13.1.
Variant type: single nucleotide variant.
Coding change: c.226+1G>A on transcript NM_031220.4 (MANE Select); the canonical splice donor site of the intron after coding-DNA position 226, G replaced by A.
Molecular consequence: splice donor variant. On other transcripts: intron variant (1).
Genome position (GRCh38, 1-based): chr17:6,525,355, C>T on the plus strand (G>A on the coding strand, the complement: PITPNM3 is on the minus strand). VCF-style: chr17-6525355-C-T. GRCh37 (hg19) VCF-style: chr17-6428675-C-T.
Other names: c.118+12632G>A (NM_001165966.2).
Identifiers: ClinVar variation 2742763 (VCV002742763.3), dbSNP rs1908767526, ClinGen allele CA397401611.
Genomic context (GRCh38, chr17:6,525,355, plus strand): 5'-ACAGCCCCCCCTGCAACACACCTATGTGCACATCCTGGTCATGAGAGAAGCAGAGTCTCA[C>T]CTTGATGCTCGTCCAGTTTCCCCATGGTCTCGATCTGCTCCACGAGGTCATTGGAGTTCC-3'

ClinVar aggregate classification (germline): Uncertain significance (1 of 4 stars; one submission).

Allele frequency attached by ClinVar (database versions not stated): gnomAD exomes below 0.00001.
gnomAD v4.1: 2 of 1,613,964 alleles (0.00012%); highest among the groups gnomAD compares: Non-Finnish European, 0.000085%; no homozygotes.

Submission:

Labcorp Genetics (formerly Invitae), Labcorp
Classification: Uncertain significance. Last evaluated: 2023-07-27. Review status: criteria provided, single submitter. Criteria: Invitae Variant Classification Sherloc (09022015). Collection method: clinical testing. Allele origin: germline.
Comment: This sequence change affects a donor splice site in intron 3 of the PITPNM3 gene. It is expected to disrupt RNA splicing. Variants that disrupt the donor or acceptor splice site typically lead to a loss of protein function (PMID: 16199547), however the current clinical and genetic evidence is not sufficient to establish whether loss-of-function variants in PITPNM3 cause disease. In summary, the available evidence is currently insufficient to determine the role of this variant in disease. Therefore, it has been classified as a Variant of Uncertain Significance. Algorithms developed to predict the effect of sequence changes on RNA splicing suggest that this variant may disrupt the consensus splice site. This variant has not been reported in the literature in individuals affected with PITPNM3-related conditions. This variant is not present in population databases (gnomAD no frequency).

Literature cited by the submitters: PubMed 16199547.